The following is an entry in ClinVar:

ClinVar aggregate classification (germline): Uncertain significance (0 of 4 stars; one submission).

Conditions:
Focal segmental glomerulosclerosis 1 (FSGS1). Identifiers: Orphanet 656, MedGen C4551527, MONDO:0011303, OMIM 603278.

gnomAD v4.1: 1 of 1,609,394 alleles (0.000062%); highest among the groups gnomAD compares: South Asian, 0.0011%; no homozygotes.

Submission:

Indian Institute of Integrative Medicine, Council of Scientific and Industrial Research
Classification: Uncertain significance for Focal segmental glomerulosclerosis 1. Last evaluated: 2020-02-15. Review status: no assertion criteria provided. Collection method: research. Allele origin: germline. Affected: no. Observed: 4 variant alleles.
Comment: Heterozygous variant present in 4 individuals of a family affected with end-stage CKD

We observed a novel NUP107 variant (NM_020401.4:c.1781G>A; NP_065134.1:p.Cys594Tyr) in a consanguineous family (n = 8) affected with renal disorder. The variant was present in 4 individuals in a heterozygous condition, showing no segregation with the disease phenotype. Variant effect predictor (VEP) using SIFT and mutation taster reveals deleterious and disease-causing impact. However, functional analysis is required to support the variant consequence.

Literature cited by the submitters: PMC 8233304.

NM_020401.4(NUP107):c.1781G>A (p.Cys594Tyr)

Gene: NUP107 (nucleoporin 107; plus strand). Cytogenetic location: 12q15.
Variant type: single nucleotide variant.
Coding change: c.1781G>A on transcript NM_020401.4 (MANE Select); coding-DNA position 1781, G replaced by A.
Protein change: p.Cys594Tyr; replaces cysteine 594 with tyrosine.
Molecular consequence: missense variant.
Genome position (GRCh38, 1-based): chr12:68,731,156, G>A. VCF-style: chr12-68731156-G-A. GRCh37 (hg19) VCF-style: chr12-69124936-G-A.
Other names: c.1694G>A, p.Cys565Tyr (NM_001330192.2); short protein forms C565Y, C594Y.
Identifiers: ClinVar variation 989435 (VCV000989435.4), dbSNP rs1877805683, ClinGen allele CA385697793.
Genomic context (GRCh38, chr12:68,731,156, plus strand): 5'-TTTCTATTTTTTAGCTTTTAATAAGAGAGAAACATACAAATCTTATAGCATTTTATACCT[G>A]TCATTTGCCTCAAGACCTAGCTGTTGCCCAGTATGCATTATTTTTGGAAAGTGTTACAGA-3'
Protein context (NP_065134.1, residues 584-604): KHTNLIAFYT[Cys594Tyr]HLPQDLAVAQ